The following is an entry in ClinVar:

ClinVar aggregate classification (germline): Uncertain significance (1 of 4 stars; one submission).

Submission:

Ambry Genetics
Classification: Uncertain significance. Last evaluated: 2024-04-24. Review status: criteria provided, single submitter. Criteria: Ambry Variant Classification Scheme 2023. Collection method: clinical testing. Allele origin: germline.
Comment: The p.C604F variant (also known as c.1811G>T), located in coding exon 1 of the MLH3 gene, results from a G to T substitution at nucleotide position 1811. The cysteine at codon 604 is replaced by phenylalanine, an amino acid with highly dissimilar properties. This amino acid position is conserved. In addition, the in silico prediction for this alteration is inconclusive. Based on the available evidence, the clinical significance of this variant remains unclear.

NM_001040108.2(MLH3):c.1811G>T (p.Cys604Phe)

Gene: MLH3 (mutL homolog 3; minus strand). Cytogenetic location: 14q24.3.
Variant type: single nucleotide variant.
Coding change: c.1811G>T on transcript NM_001040108.2 (MANE Select); coding-DNA position 1811, G replaced by T.
Protein change: p.Cys604Phe; replaces cysteine 604 with phenylalanine.
Molecular consequence: missense variant.
Genome position (GRCh38, 1-based): chr14:75,047,845, C>A on the plus strand (G>T on the coding strand, the complement: MLH3 is on the minus strand). VCF-style: chr14-75047845-C-A. GRCh37 (hg19) VCF-style: chr14-75514548-C-A.
Other names: c.1811G>T, p.Cys604Phe (NM_014381.3); short protein forms C604F.
Identifiers: ClinVar variation 3295117 (VCV003295117.1).